The following is an entry in ClinVar:

ClinVar aggregate classification (germline): Uncertain significance (1 of 4 stars; one submission).

Submission:

GeneDx
Classification: Uncertain significance. Last evaluated: 2023-06-13. Review status: criteria provided, single submitter. Criteria: GeneDx Variant Classification Process June 2021. Collection method: clinical testing. Allele origin: germline. Affected: yes.
Comment: Not observed at significant frequency in large population cohorts (gnomAD); In silico analysis supports that this missense variant has a deleterious effect on protein structure/function; Has not been previously published as pathogenic or benign to our knowledge

NM_006186.4(NR4A2):c.845G>T (p.Gly282Val)

Gene: NR4A2 (nuclear receptor subfamily 4 group A member 2; minus strand). Cytogenetic location: 2q24.1.
Variant type: single nucleotide variant.
Coding change: c.845G>T on transcript NM_006186.4 (MANE Select); coding-DNA position 845, G replaced by T.
Protein change: p.Gly282Val; replaces glycine 282 with valine.
Molecular consequence: missense variant.
Genome position (GRCh38, 1-based): chr2:156,329,342, C>A on the plus strand (G>T on the coding strand, the complement: NR4A2 is on the minus strand). VCF-style: chr2-156329342-C-A. GRCh37 (hg19) VCF-style: chr2-157185854-C-A.
Other names: c.656G>T, p.Gly219Val (NM_173173.3); short protein forms G219V, G282V.
Identifiers: ClinVar variation 3359842 (VCV003359842.1).